The following is an entry in ClinVar:

ClinVar aggregate classification (germline): Uncertain significance (1 of 4 stars; one submission).

Submission:

Women's Health and Genetics/Laboratory Corporation of America, LabCorp
Classification: Uncertain significance. Last evaluated: 2024-10-22. Review status: criteria provided, single submitter. Criteria: LabCorp Variant Classification Summary - May 2015. Collection method: clinical testing. Allele origin: germline.
Comment: Variant summary: The variant involves the duplication of exons 2-17 in the ASL gene. A presumed nomenclature of c.(-44+1_-43-1)_(*665_?)dup has been designated for the purposes of this classification. This duplication includes the entire coding sequence of the gene. As exact breakpoints are unknown, it may extend beyond the annotated region of the gene, to include other flanking genes. The variant was absent in 21694 control chromosomes in the gnomAD database (Structural Variants v2.1 dataset). To our knowledge, no occurrence of duplication of exons 2-17 in individuals affected with argininosuccinic aciduria and no experimental evidence demonstrating its impact on protein function have been reported. No submitters have cited clinical-significance assessments for this variant to ClinVar. Based on the evidence outlined above, the variant was classified as uncertain significance.

NC_000007.13:g.(65540844_65541025)_(65558564_?)dup

Gene: ASL (argininosuccinate lyase; plus strand). Cytogenetic location: 7q11.21.
Variant type: Duplication.
Identifiers: ClinVar variation 3385136 (VCV003385136.1).